The following is an entry in ClinVar:

ClinVar aggregate classification (germline): Pathogenic (1 of 4 stars; one submission).

Conditions:
Charcot-Marie-Tooth disease recessive intermediate C. Also called: CHARCOT-MARIE-TOOTH NEUROPATHY, RECESSIVE INTERMEDIATE C. Identifiers: Orphanet 369867, MedGen C3809309, MONDO:0014154, OMIM 615376.
Neuronopathy, distal hereditary motor, autosomal recessive 4. Also called: NEUROPATHY, DISTAL HEREDITARY MOTOR, AUTOSOMAL RECESSIVE 4; Autosomal recessive lower motor neuron disease with childhood onset. Identifiers: Orphanet 206580, MedGen C1970211, MONDO:0012608, OMIM 611067.

Allele frequency attached by ClinVar (database versions not stated): gnomAD exomes below 0.00001.

Submission:

Labcorp Genetics (formerly Invitae), Labcorp
Classification: Pathogenic for Neuronopathy, distal hereditary motor, autosomal recessive 4; Charcot-Marie-Tooth disease recessive intermediate C. Last evaluated: 2026-01-13. Review status: criteria provided, single submitter. Criteria: Invitae Variant Classification Sherloc (09022015). Collection method: clinical testing. Allele origin: germline.
Comment: This sequence change creates a premature translational stop signal (p.Lys877*) in the PLEKHG5 gene. It is expected to result in an absent or disrupted protein product. Loss-of-function variants in PLEKHG5 are known to be pathogenic (PMID: 17564964, 23777631). This variant is not present in population databases (gnomAD no frequency). This variant has not been reported in the literature in individuals affected with PLEKHG5-related conditions. ClinVar contains an entry for this variant (Variation ID: 2950908). For these reasons, this variant has been classified as Pathogenic.

Literature cited by the submitters: PubMed 17564964; PubMed 23777631.

NM_020631.6(PLEKHG5):c.2628dup (p.Lys877Ter)

Gene: PLEKHG5 (pleckstrin homology and RhoGEF domain containing G5; minus strand). Cytogenetic location: 1p36.31.
Variant type: Duplication.
Coding change: c.2628dup on transcript NM_020631.6 (MANE Select); coding-DNA position 2628, one base duplicated (T; older notation c.2628dupT).
Protein change: p.Lys877Ter; replaces lysine 877 with a stop codon.
Molecular consequence: nonsense.
Genome position (GRCh38, 1-based): chr1:6,468,208, A duplicated on the plus strand (T on the coding strand, the reverse complement: PLEKHG5 is on the minus strand). VCF-style (leftmost placement, unchanged base first): chr1-6468207-T-TA. GRCh37 (hg19) VCF-style: chr1-6528267-T-TA.
Other names: c.2739dup, p.Lys914Ter (NM_001042663.3, NM_001265592.2); c.2628dup, p.Lys877Ter (NM_001042664.2, NM_001042665.2, NM_001265594.3 and 1 more transcripts); c.2835dup, p.Lys946Ter (NM_001265593.2); short protein forms K877*, K914*, K946*.
Identifiers: ClinVar variation 2950908 (VCV002950908.3), dbSNP rs2523112831, ClinGen allele CA2642974623.